The following is an entry in ClinVar:

ClinVar aggregate classification (germline): Uncertain significance (0 of 4 stars; one submission).

Conditions:
ABCB1-related disorder. Also called: ABCB1-related condition.

gnomAD v4.1: 2 of 1,613,532 alleles (0.00012%); highest among the groups gnomAD compares: South Asian, 0.0022%; no homozygotes.

Submission:

PreventionGenetics, part of Exact Sciences
Classification: Uncertain significance for ABCB1-related condition. Last evaluated: 2024-07-16. Review status: no assertion criteria provided. Collection method: clinical testing. Allele origin: germline.
Comment: The ABCB1 c.2546T>C variant is predicted to result in the amino acid substitution p.Ile849Thr. To our knowledge, this variant has not been reported in the literature or in gnomAD, indicating this variant is rare. At this time, the clinical significance of this variant is uncertain due to the absence of conclusive functional and genetic evidence.

NM_001348946.2(ABCB1):c.2546T>C (p.Ile849Thr)

Gene: ABCB1 (ATP binding cassette subfamily B member 1; minus strand). Cytogenetic location: 7q21.12.
Variant type: single nucleotide variant.
Coding change: c.2546T>C on transcript NM_001348946.2 (MANE Select); coding-DNA position 2546, T replaced by C.
Protein change: p.Ile849Thr; replaces isoleucine 849 with threonine.
Molecular consequence: missense variant.
Genome position (GRCh38, 1-based): chr7:87,531,433, A>G on the plus strand (T>C on the coding strand, the complement: ABCB1 is on the minus strand). VCF-style: chr7-87531433-A-G. GRCh37 (hg19) VCF-style: chr7-87160749-A-G.
Other names: c.2546T>C, p.Ile849Thr (NM_000927.5, NM_001348944.2); c.2756T>C, p.Ile919Thr (NM_001348945.2); short protein forms I849T, I919T.
Identifiers: ClinVar variation 3345823 (VCV003345823.1).
Genomic context (GRCh38, chr7:87,531,433, plus strand): 5'-GCAATGATGGGTACAATTGCTAAGAGTAACAGTGTTAGTTGCCAACCATAGATGAAGGAT[A>G]TAATTATTCCTGTCCCAAGATTTGCTATATTCTGGGTAATTACAGCAAGCCTGGAACCTA-3'
Protein context (NP_001335875.1, residues 839-859): NIANLGTGII[Ile849Thr]SFIYGWQLTL